The following is an entry in ClinVar:

NM_001163809.2(WDR81):c.3019del (p.His1007fs)

Gene: WDR81 (WD repeat domain 81; plus strand). Cytogenetic location: 17p13.3.
Variant type: Deletion.
Coding change: c.3019del on transcript NM_001163809.2 (MANE Select); coding-DNA position 3019, one base deleted (C; older notation c.3019delC).
Protein change: p.His1007fs; shifts the reading frame from histidine 1007.
Molecular consequence: frameshift variant. On other transcripts: intron variant (3).
Genome position (GRCh38, 1-based): chr17:1,727,978, C deleted; the last of 4 consecutive C bases (chr17:1,727,975-1,727,978); deleting any one gives the same sequence. VCF-style (leftmost placement, unchanged base first): chr17-1727974-GC-G. GRCh37 (hg19) VCF-style: chr17-1631268-GC-G.
Other names: c.-123-12del (NM_152348.4); c.59-2402del (NM_001163673.2); c.-14-2402del (NM_001163811.2); short protein forms H1007fs.
Identifiers: ClinVar variation 4884191 (VCV004884191.2).

ClinVar aggregate classification (germline): Likely pathogenic (1 of 4 stars; one submission).

Submission:

Dasa
Classification: Likely pathogenic. Last evaluated: 2026-01-26. Review status: criteria provided, single submitter. Criteria: DASA Assertion Criteria. Collection method: clinical testing. Allele origin: germline.
Comment: NM_001163809.2(WDR81):c.3019del (p.His1007Metfs*85) is a frameshift variant in WDR81 predicted to alter the reading frame and introduce a premature termination codon and is predicted to result in an absent or altered protein product. Loss of function is an established disease mechanism for WDR81-associated disorders. Also, this variant is rare in population databases. Based on the currently available evidence, this variant is classified as likely pathogenic.